The following is an entry in ClinVar:

NM_001202.6(BMP4):c.863G>A (p.Arg288Gln)

Gene: BMP4 (bone morphogenetic protein 4; minus strand). Cytogenetic location: 14q22.2.
Variant type: single nucleotide variant.
Coding change: c.863G>A on transcript NM_001202.6 (MANE Select); coding-DNA position 863, G replaced by A.
Protein change: p.Arg288Gln; replaces arginine 288 with glutamine.
Genome position (GRCh38, 1-based): chr14:53,950,396, C>T on the plus strand (G>A on the coding strand, the complement: BMP4 is on the minus strand). VCF-style: chr14-53950396-C-T. GRCh37 (hg19) VCF-style: chr14-54417114-C-T.
Other names: c.1004G>A, p.Arg335Gln (NM_001347912.1); c.674G>A, p.Arg225Gln (NM_001347913.2, NM_001347915.2, NM_001347917.1); c.863G>A, p.Arg288Gln (NM_001347914.2, NM_001347916.1, NM_130850.5 and 1 more transcripts); short protein forms R225Q, R288Q, R335Q.
Identifiers: ClinVar variation 1691786 (VCV001691786.7), dbSNP rs370847935, ClinGen allele CA7191659.

ClinVar aggregate classification (germline): Conflicting classifications of pathogenicity. Review status: criteria provided, conflicting classifications (1 of 4 stars). 4 submissions from 4 submitters: Uncertain significance (3); Likely benign (1). Last evaluated 2024-10-13.

Conditions:
Inborn genetic diseases. Identifiers: MedGen C0950123, MeSH D030342.
Microphthalmia with brain and digit anomalies (MCOPS6). Also called: Microphthalmia, syndromic 6; MICROPHTHALMIA AND PITUITARY ANOMALIES. Identifiers: Orphanet 139471, MedGen C1864689, MONDO:0011936, OMIM 607932.
Orofacial cleft 11 (OFC11). Also called: CLEFT LIP WITH OR WITHOUT CLEFT PALATE, NONSYNDROMIC, 11; Orofacial cleft 11; ofc11. Identifiers: MedGen C2677434, MONDO:0010906, OMIM 600625.

Allele frequency attached by ClinVar (database versions not stated): ExAC 0.00003; gnomAD 0.00004; gnomAD exomes 0.00004 and 0.00005; ESP Exome Variant Server 0.00008; TOPMed 0.00008.

Submissions (4):

Labcorp Genetics (formerly Invitae), Labcorp
Classification: Uncertain significance for Microphthalmia with brain and digit anomalies; Orofacial cleft 11. Last evaluated: 2024-10-13. Review status: criteria provided, single submitter. Criteria: Invitae Variant Classification Sherloc (09022015). Collection method: clinical testing. Allele origin: germline.
Comment: This sequence change replaces arginine, which is basic and polar, with glutamine, which is neutral and polar, at codon 288 of the BMP4 protein (p.Arg288Gln). This variant is present in population databases (rs370847935, gnomAD 0.009%). This variant has not been reported in the literature in individuals affected with BMP4-related conditions. ClinVar contains an entry for this variant (Variation ID: 1691786). Invitae Evidence Modeling of protein sequence and biophysical properties (such as structural, functional, and spatial information, amino acid conservation, physicochemical variation, residue mobility, and thermodynamic stability) indicates that this missense variant is not expected to disrupt BMP4 protein function with a negative predictive value of 80%. In summary, the available evidence is currently insufficient to determine the role of this variant in disease. Therefore, it has been classified as a Variant of Uncertain Significance.

Ambry Genetics
Classification: Likely benign for Inborn genetic diseases. Last evaluated: 2023-10-10. Review status: criteria provided, single submitter. Criteria: Ambry Variant Classification Scheme 2023. Collection method: clinical testing. Allele origin: germline.

GeneDx
Classification: Uncertain significance. Last evaluated: 2022-10-04. Review status: criteria provided, single submitter. Criteria: GeneDx Variant Classification Process June 2021. Collection method: clinical testing. Allele origin: germline. Affected: yes.
Comment: In silico analysis supports that this missense variant does not alter protein structure/function; Has not been previously published as pathogenic or benign to our knowledge

Fulgent Genetics
Classification: Uncertain significance for Orofacial cleft 11; Microphthalmia with brain and digit anomalies. Last evaluated: 2022-05-04. Review status: criteria provided, single submitter. Criteria: ACMG Guidelines, 2015. Collection method: clinical testing. Allele origin: unknown.